The following is an entry in ClinVar:

ClinVar aggregate classification (germline): Uncertain significance (1 of 4 stars; one submission).

Conditions:
Cardiovascular phenotype. Identifiers: MedGen CN230736.

Submission:

Ambry Genetics
Classification: Uncertain significance for Cardiovascular phenotype. Last evaluated: 2022-09-02. Review status: criteria provided, single submitter. Criteria: Ambry Variant Classification Scheme 2023. Collection method: clinical testing. Allele origin: germline.
Comment: The p.S711Y variant (also known as c.2132C>A), located in coding exon 13 of the LDB3 gene, results from a C to A substitution at nucleotide position 2132. The serine at codon 711 is replaced by tyrosine, an amino acid with dissimilar properties. This amino acid position is conserved. In addition, this alteration is predicted to be deleterious by in silico analysis. Since supporting evidence is limited at this time, the clinical significance of this alteration remains unclear.

NM_007078.3(LDB3):c.2132C>A (p.Ser711Tyr)

Gene: LDB3 (LIM domain binding 3; plus strand). Cytogenetic location: 10q23.2.
Variant type: single nucleotide variant.
Coding change: c.2132C>A on transcript NM_007078.3 (MANE Select); coding-DNA position 2132, C replaced by A.
Protein change: p.Ser711Tyr; replaces serine 711 with tyrosine.
Molecular consequence: missense variant.
Genome position (GRCh38, 1-based): chr10:86,732,924, C>A. VCF-style: chr10-86732924-C-A. GRCh37 (hg19) VCF-style: chr10-88492681-C-A.
Other names: c.1802C>A, p.Ser601Tyr (NM_001080114.2); c.2147C>A, p.Ser716Tyr (NM_001171610.2); c.1943C>A, p.Ser648Tyr (NM_001368064.1, NM_001368065.1); c.1991C>A, p.Ser664Tyr (NM_001368066.1); short protein forms S648Y, S716Y, S601Y, S664Y, S711Y.
Identifiers: ClinVar variation 1786427 (VCV001786427.2), dbSNP rs2492882035, ClinGen allele CA377460287.